The following is an entry in ClinVar:

NM_001080449.3(DNA2):c.2162del (p.Lys721fs)

Gene: DNA2 (DNA replication helicase/nuclease 2; minus strand). Cytogenetic location: 10q21.3.
Variant type: Deletion.
Coding change: c.2162del on transcript NM_001080449.3 (MANE Select); coding-DNA position 2162, one base deleted (A; older notation c.2162delA).
Protein change: p.Lys721fs; shifts the reading frame from lysine 721.
Molecular consequence: frameshift variant. On other transcripts: non-coding transcript variant (1).
Genome position (GRCh38, 1-based): chr10:68,430,482, T deleted on the plus strand (A on the coding strand, the reverse complement: DNA2 is on the minus strand); the first of 3 consecutive T bases (chr10:68,430,482-68,430,484); deleting any one gives the same sequence. VCF-style (leftmost placement, unchanged base first): chr10-68430481-CT-C. GRCh37 (hg19) VCF-style: chr10-70190238-CT-C.
Other names: short protein forms K721fs.
Identifiers: ClinVar variation 1999354 (VCV001999354.4), dbSNP rs2493923571, ClinGen allele CA2580081730.

ClinVar aggregate classification (germline): Uncertain significance (1 of 4 stars; one submission).

Submission:

Labcorp Genetics (formerly Invitae), Labcorp
Classification: Uncertain significance. Last evaluated: 2022-05-27. Review status: criteria provided, single submitter. Criteria: Invitae Variant Classification Sherloc (09022015). Collection method: clinical testing. Allele origin: germline.
Comment: In summary, the available evidence is currently insufficient to determine the role of this variant in disease. Therefore, it has been classified as a Variant of Uncertain Significance. This variant has not been reported in the literature in individuals affected with DNA2-related conditions. This variant is not present in population databases (gnomAD no frequency). This sequence change creates a premature translational stop signal (p.Lys721Serfs*6) in the DNA2 gene. It is expected to result in an absent or disrupted protein product. However, the current clinical and genetic evidence is not sufficient to establish whether loss-of-function variants in DNA2 cause disease.